The following is an entry in ClinVar:

NM_001029883.3(PCARE):c.3688AAG[1] (p.Lys1231del)

Gene: PCARE (photoreceptor cilium actin regulator; minus strand). Cytogenetic location: 2p23.2.
Variant type: Microsatellite.
Coding change: c.3688AAG[1] on transcript NM_001029883.3 (MANE Select); one copy of the 3-base unit AAG starting at c.3688; the reference has two copies in a row; one copy, 3 bases deleted.
Protein change: p.Lys1231del; deletes lysine 1231.
Molecular consequence: inframe deletion.
Genome position (GRCh38, 1-based): chr2:29,065,043-29,065,045, CTT deleted on the plus strand (AAG on the coding strand, the reverse complement: PCARE is on the minus strand); deleting any 3 consecutive bases within chr2:29,065,043-29,065,048 gives the same sequence; the position shown is the placement nearest the transcript's 3' end. VCF-style (leftmost placement, unchanged base first): chr2-29065042-CCTT-C. GRCh37 (hg19) VCF-style: chr2-29287908-CCTT-C.
Other names: short protein forms K1231del.
Identifiers: ClinVar variation 1421200 (VCV001421200.9), dbSNP rs1340403402, ClinGen allele CA531766777.

ClinVar aggregate classification (germline): Uncertain significance. Review status: criteria provided, multiple submitters, no conflicts (2 of 4 stars). 2 submissions from 2 submitters: Uncertain significance (2). Last evaluated 2022-06-27.

Submissions (2):

Labcorp Genetics (formerly Invitae), Labcorp
Classification: Uncertain significance. Last evaluated: 2022-06-27. Review status: criteria provided, single submitter. Criteria: Invitae Variant Classification Sherloc (09022015). Collection method: clinical testing. Allele origin: germline.
Comment: This variant, c.3691_3693del, results in the deletion of 1 amino acid(s) of the PCARE protein (p.Lys1231del), but otherwise preserves the integrity of the reading frame. This variant is present in population databases (no rsID available, gnomAD 0.004%). This variant has not been reported in the literature in individuals affected with PCARE-related conditions. Experimental studies and prediction algorithms are not available or were not evaluated, and the functional significance of this variant is currently unknown. In summary, the available evidence is currently insufficient to determine the role of this variant in disease. Therefore, it has been classified as a Variant of Uncertain Significance.

Blueprint Genetics
Classification: Uncertain significance. Last evaluated: 2022-04-23. Review status: criteria provided, single submitter. Criteria: ACMG Guidelines, 2015. Collection method: clinical testing. Allele origin: germline.